The following is an entry in ClinVar:

ClinVar aggregate classification (germline): Uncertain significance (1 of 4 stars; one submission).

Conditions:
Hereditary cancer-predisposing syndrome. Also called: Neoplastic Syndromes, Hereditary; Hereditary Cancer Syndrome; Tumor predisposition; Hereditary neoplastic syndrome. Identifiers: Orphanet 140162, MedGen C0027672, MeSH D009386, MONDO:0015356.

gnomAD v4.1: 1 of 1,612,002 alleles (0.000062%); highest among the groups gnomAD compares: Non-Finnish European, 0.000085%; no homozygotes.

Submission:

Ambry Genetics
Classification: Uncertain significance for Hereditary cancer-predisposing syndrome. Last evaluated: 2024-12-22. Review status: criteria provided, single submitter. Criteria: Ambry Variant Classification Scheme 2023. Collection method: clinical testing. Allele origin: germline.
Comment: The p.Q300R variant (also known as c.899A>G), located in coding exon 5 of the SMARCA4 gene, results from an A to G substitution at nucleotide position 899. The glutamine at codon 300 is replaced by arginine, an amino acid with highly similar properties. This amino acid position is conserved. In addition, the in silico prediction for this alteration is inconclusive. Based on the available evidence, the clinical significance of this variant remains unclear.

NM_003072.5(SMARCA4):c.899A>G (p.Gln300Arg)

Gene: SMARCA4 (SWI/SNF related BAF chromatin remodeling complex subunit ATPase 4; plus strand). Cytogenetic location: 19p13.2.
Variant type: single nucleotide variant.
Coding change: c.899A>G on transcript NM_003072.5 (MANE Select); coding-DNA position 899, A replaced by G.
Protein change: p.Gln300Arg; replaces glutamine 300 with arginine.
Molecular consequence: missense variant. On other transcripts: non-coding transcript variant (1).
Genome position (GRCh38, 1-based): chr19:10,987,705, A>G. VCF-style: chr19-10987705-A-G. GRCh37 (hg19) VCF-style: chr19-11098381-A-G.
Other names: c.899A>G, p.Gln300Arg (NM_001128844.3, NM_001128845.2, NM_001128846.2 and 6 more transcripts); short protein forms Q300R.
Identifiers: ClinVar variation 3798888 (VCV003798888.1).